The following is an entry in ClinVar:

ClinVar aggregate classification (germline): Pathogenic (1 of 4 stars; one submission).

Conditions:
Neurofibromatosis, type 1 (NF1). Also called: VON RECKLINGHAUSEN DISEASE; Peripheral type neurofibromatosis; NEUROFIBROMATOSIS, TYPE I, SOMATIC; Neurofibromatosis, type I. Identifiers: Orphanet 636, MedGen C0027831, MONDO:0018975, OMIM 162200. Disease mechanism: loss of function.

Submission:

Labcorp Genetics (formerly Invitae), Labcorp
Classification: Pathogenic for Neurofibromatosis, type 1. Last evaluated: 2020-05-13. Review status: criteria provided, single submitter. Criteria: Invitae Variant Classification Sherloc (09022015). Collection method: clinical testing. Allele origin: germline.
Comment: For these reasons, this variant has been classified as Pathogenic. Loss-of-function variants in NF1 are known to be pathogenic (PMID: 10712197, 23913538). This variant has been reported in individuals in the Leiden Open-source Variation Database (PMID: 21520333). This variant is not present in population databases (ExAC no frequency). This sequence change creates a premature translational stop signal (p.Ser1545Valfs*8) in the NF1 gene. It is expected to result in an absent or disrupted protein product.

Literature cited by the submitters: PubMed 10712197; PubMed 23913538; PubMed 21520333.

NM_001042492.3(NF1):c.4695del (p.Ser1566fs)

Gene: NF1 (neurofibromin 1; plus strand). Cytogenetic location: 17q11.2.
Variant type: Deletion.
Coding change: c.4695del on transcript NM_001042492.3 (MANE Select); coding-DNA position 4695, one base deleted (C; older notation c.4695delC).
Protein change: p.Ser1566fs; shifts the reading frame from serine 1566.
Molecular consequence: frameshift variant.
Genome position (GRCh38, 1-based): chr17:31,261,828, C deleted; the last of 2 consecutive C bases (chr17:31,261,827-31,261,828); deleting either gives the same sequence. VCF-style (leftmost placement, unchanged base first): chr17-31261826-AC-A. GRCh37 (hg19) VCF-style: chr17-29588844-AC-A.
Other names: c.4632delC, p.Ser1545Valfs (NM_000267.4); short protein forms S1545fs, S1566fs.
Identifiers: ClinVar variation 1073380 (VCV001073380.5), dbSNP rs2151466475, ClinGen allele CA2499224147.
Genomic context (GRCh38, chr17:31,261,826, plus strand): 5'-TACCTGGGTCCTCCAGAGCACAAACCTGTGGCAGATACACACTGGTCCAGCCTTAACCTT[AC>A]CAGTTCAAAGTTTGAGGAATTTATGACTAGGTAAAGTACAACCTTGAAATAGTTGATTGC-3'